The following is an entry in ClinVar:

NM_001319074.4(RAX2):c.260G>C (p.Arg87Pro)

Gene: RAX2 (retina and anterior neural fold homeobox 2; minus strand). Cytogenetic location: 19p13.3.
Variant type: single nucleotide variant.
Coding change: c.260G>C on transcript NM_001319074.4 (MANE Select); coding-DNA position 260, G replaced by C.
Protein change: p.Arg87Pro; replaces arginine 87 with proline.
Molecular consequence: missense variant.
Genome position (GRCh38, 1-based): chr19:3,770,916, C>G on the plus strand (G>C on the coding strand, the complement: RAX2 is on the minus strand). VCF-style: chr19-3770916-C-G. GRCh37 (hg19) VCF-style: chr19-3770914-C-G.
Other names: c.260G>C, p.Arg87Pro (NM_032753.4); short protein forms R87P.
Identifiers: ClinVar variation 2050516 (VCV002050516.4), dbSNP rs121908280, ClinGen allele CA403375032.
Genomic context (GRCh38, chr19:3,770,916, plus strand): 5'-GGCAGCGCTGGGGCCTCGGGGAGTCTCGGAGCTGCCACGGCACCCGAGCCTGACTCCAGC[C>G]GCTCCTGGCGGCGCCACTTGGCCCGGCGGTTCTGGAACCACACCTGGAGGGTGCGAGAGG-3'
Protein context (NP_001306003.2, residues 77-97): NRRAKWRRQE[Arg87Pro]LESGSGAVAA

ClinVar aggregate classification (germline): Uncertain significance (1 of 4 stars; one submission).

Submission:

Labcorp Genetics (formerly Invitae), Labcorp
Classification: Uncertain significance. Last evaluated: 2022-08-20. Review status: criteria provided, single submitter. Criteria: Invitae Variant Classification Sherloc (09022015). Collection method: clinical testing. Allele origin: germline.
Comment: In summary, the available evidence is currently insufficient to determine the role of this variant in disease. Therefore, it has been classified as a Variant of Uncertain Significance. Algorithms developed to predict the effect of missense changes on protein structure and function (SIFT, PolyPhen-2, Align-GVGD) all suggest that this variant is likely to be disruptive. This variant has not been reported in the literature in individuals affected with RAX2-related conditions. This variant is not present in population databases (gnomAD no frequency). This sequence change replaces arginine, which is basic and polar, with proline, which is neutral and non-polar, at codon 87 of the RAX2 protein (p.Arg87Pro).